The following is an entry in ClinVar:

NM_006031.6(PCNT):c.262G>A (p.Ala88Thr)

Gene: PCNT (pericentrin; plus strand). Cytogenetic location: 21q22.3.
Variant type: single nucleotide variant.
Coding change: c.262G>A on transcript NM_006031.6 (MANE Select); coding-DNA position 262, G replaced by A.
Protein change: p.Ala88Thr; replaces alanine 88 with threonine.
Molecular consequence: missense variant. On other transcripts: 5 prime UTR variant (1).
Genome position (GRCh38, 1-based): chr21:46,326,584, G>A. VCF-style: chr21-46326584-G-A. GRCh37 (hg19) VCF-style: chr21-47746498-G-A.
Other names: c.-93G>A (NM_001315529.2); short protein forms A88T.
Identifiers: ClinVar variation 895264 (VCV000895264.11), dbSNP rs768342760, ClinGen allele CA10078184.

ClinVar aggregate classification (germline): Uncertain significance. Review status: criteria provided, multiple submitters, no conflicts (2 of 4 stars). 3 submissions from 3 submitters: Uncertain significance (2). 1 of the submissions does not count toward it. Last evaluated 2024-09-16.

Conditions:
PCNT-related disorder. Also called: PCNT-related condition.
Microcephalic osteodysplastic primordial dwarfism type II (MOPD2). Also called: Microcephalic osteodysplastic primordial dwarfism with tooth abnormalities; MOPD II; OSTEODYSPLASTIC PRIMORDIAL DWARFISM, TYPE II. Identifiers: Orphanet 2637, MedGen C0432246, MONDO:0008872, OMIM 210720.

Allele frequency attached by ClinVar (database versions not stated): TOPMed 0.00001; ExAC 0.00012.
gnomAD v4.1: 45 of 1,613,772 alleles (0.0028%); highest among the groups gnomAD compares: Admixed American, 0.005%; no homozygotes.

Submissions (3):

Labcorp Genetics (formerly Invitae), Labcorp
Classification: Uncertain significance. Last evaluated: 2024-09-16. Review status: criteria provided, single submitter. Criteria: Invitae Variant Classification Sherloc (09022015). Collection method: clinical testing. Allele origin: germline.
Comment: This sequence change replaces alanine, which is neutral and non-polar, with threonine, which is neutral and polar, at codon 88 of the PCNT protein (p.Ala88Thr). This variant is present in population databases (rs768342760, gnomAD 0.01%). This variant has not been reported in the literature in individuals affected with PCNT-related conditions. ClinVar contains an entry for this variant (Variation ID: 895264). An algorithm developed to predict the effect of missense changes on protein structure and function outputs the following: PolyPhen-2: "Possibly Damaging". The threonine amino acid residue is found in multiple mammalian species, which suggests that this missense change does not adversely affect protein function. In summary, the available evidence is currently insufficient to determine the role of this variant in disease. Therefore, it has been classified as a Variant of Uncertain Significance.

Illumina Laboratory Services, Illumina
Classification: Uncertain significance for Microcephalic osteodysplastic primordial dwarfism type II. Last evaluated: 2018-01-12. Review status: criteria provided, single submitter. Criteria: ICSL Variant Classification Criteria 13 December 2019. Collection method: clinical testing. Allele origin: germline.

PreventionGenetics, part of Exact Sciences
Classification: Uncertain significance for PCNT-related condition. Last evaluated: 2024-04-06. Review status: no assertion criteria provided. Collection method: clinical testing. Allele origin: germline. Not counted in ClinVar's aggregate classification.
Comment: The PCNT c.262G>A variant is predicted to result in the amino acid substitution p.Ala88Thr. To our knowledge, this variant has not been reported in the literature. This variant is reported in 0.011% of alleles in individuals of European (Non-Finnish) descent in gnomAD. At this time, the clinical significance of this variant is uncertain due to the absence of conclusive functional and genetic evidence.